The following is an entry in ClinVar:

NM_000017.4(ACADS):c.*500G>A

Gene: ACADS (acyl-CoA dehydrogenase short chain; plus strand). Cytogenetic location: 12q24.31.
Variant type: single nucleotide variant.
Coding change: c.*500G>A on transcript NM_000017.4 (MANE Select); 500 bases downstream of the stop codon, G replaced by A.
Molecular consequence: 3 prime UTR variant.
Genome position (GRCh38, 1-based): chr12:120,739,948, G>A. VCF-style: chr12-120739948-G-A. GRCh37 (hg19) VCF-style: chr12-121177751-G-A.
Other names: c.*500G>A (NM_001302554.2).
Identifiers: ClinVar variation 307452 (VCV000307452.5), dbSNP rs639667, ClinGen allele CA10640431.

ClinVar aggregate classification (germline): Benign (1 of 4 stars; one submission).

Conditions:
Deficiency of butyryl-CoA dehydrogenase (ACADSD). Also called: SCAD DEFICIENCY, MILD; ACYL-CoA DEHYDROGENASE, SHORT-CHAIN, DEFICIENCY OF; SCADH DEFICIENCY; ACADS DEFICIENCY; Short-Chain Acyl-CoA Dehydrogenase Deficiency; SCAD Deficiency. Identifiers: Orphanet 26792, MedGen C0342783, MONDO:0008722, OMIM 201470. Disease mechanism: May be benign.

Allele frequency attached by ClinVar (database versions not stated): gnomAD exomes 0.00101; gnomAD 0.01375 and 0.01483; TOPMed 0.01589; 1000 Genomes Project 0.01597; 1000 Genomes Project 30x 0.01686.
gnomAD v4.1: 2,112 of 181,456 alleles (1.2%); highest among the groups gnomAD compares: African/African-American, 4.7%; 49 homozygotes.

Submission:

Illumina Laboratory Services, Illumina
Classification: Benign for Deficiency of butyryl-CoA dehydrogenase. Last evaluated: 2018-01-13. Review status: criteria provided, single submitter. Criteria: ICSL Variant Classification Criteria 13 December 2019. Collection method: clinical testing. Allele origin: germline.
Comment: This variant was observed in the ICSL laboratory as part of a predisposition screen in an ostensibly healthy population. It had not been previously curated by ICSL or reported in the Human Gene Mutation Database (HGMD: prior to June 1st, 2018), and was therefore a candidate for classification through an automated scoring system. Utilizing variant allele frequency, disease prevalence and penetrance estimates, and inheritance mode, an automated score was calculated to assess if this variant is too frequent to cause the disease. Based on the score and internal cut-off values, a variant classified as benign is not then subjected to further curation. The score for this variant resulted in a classification of benign for this disease.